The following is an entry in ClinVar:

NM_000258.3(MYL3):c.342C>G (p.Phe114Leu)

Gene: MYL3 (myosin light chain 3; minus strand). Cytogenetic location: 3p21.31.
Variant type: single nucleotide variant.
Coding change: c.342C>G on transcript NM_000258.3 (MANE Select); coding-DNA position 342, C replaced by G.
Protein change: p.Phe114Leu; replaces phenylalanine 114 with leucine.
Molecular consequence: missense variant.
Genome position (GRCh38, 1-based): chr3:46,859,614, G>C on the plus strand (C>G on the coding strand, the complement: MYL3 is on the minus strand). VCF-style: chr3-46859614-G-C. GRCh37 (hg19) VCF-style: chr3-46901104-G-C.
Other names: c.342C>G, p.Phe114Leu (NM_001406937.1, NM_001406938.1, NM_001406939.1); c.168C>G, p.Phe56Leu (NM_001406940.1, NM_001406941.1); short protein forms F114L, F56L.
Identifiers: ClinVar variation 4076684 (VCV004076684.2).

ClinVar aggregate classification (germline): Uncertain significance. Review status: criteria provided, multiple submitters, no conflicts (2 of 4 stars). 2 submissions from 2 submitters: Uncertain significance (2). Last evaluated 2025-08-30.

Conditions:
Cardiovascular phenotype. Identifiers: MedGen CN230736.

gnomAD v4.1: 1 of 1,614,204 alleles (0.000062%); highest among the groups gnomAD compares: Non-Finnish European, 0.000085%; no homozygotes.

Submissions (2):

Ambry Genetics
Classification: Uncertain significance for Cardiovascular phenotype. Last evaluated: 2025-08-30. Review status: criteria provided, single submitter. Criteria: Ambry Variant Classification Scheme 2023. Collection method: clinical testing. Allele origin: germline.
Comment: The p.F114L variant (also known as c.342C>G), located in coding exon 4 of the MYL3 gene, results from a C to G substitution at nucleotide position 342. The phenylalanine at codon 114 is replaced by leucine, an amino acid with highly similar properties. This amino acid position is conserved. In addition, this alteration is predicted to be deleterious by in silico analysis. Based on the available evidence, the clinical significance of this variant remains unclear.

GeneDx
Classification: Uncertain significance. Last evaluated: 2025-02-14. Review status: criteria provided, single submitter. Criteria: GeneDx Variant Classification Process June 2021. Collection method: clinical testing. Allele origin: germline. Affected: yes.
Comment: Not observed at significant frequency in large population cohorts (gnomAD); In silico analysis supports that this missense variant has a deleterious effect on protein structure/function; Has not been previously published as pathogenic or benign to our knowledge